The following is an entry in ClinVar:

ClinVar aggregate classification (germline): Likely benign. Review status: criteria provided, multiple submitters, no conflicts (2 of 4 stars). 2 submissions from 2 submitters: Likely benign (2). Last evaluated 2025-08-17.

Conditions:
MAPT-related disorder. Also called: MAPT-related condition; MAPT-Related Disorders.
Frontotemporal dementia (FTD1). Also called: Frontotemporal lobe dementia (FLDEM); FRONTOTEMPORAL LOBAR DEGENERATION WITH TAU INCLUSIONS; FTLD WITH TAU INCLUSIONS; WILHELMSEN-LYNCH DISEASE; FRONTOTEMPORAL DEMENTIA WITH PARKINSONISM; FRONTOTEMPORAL LOBE DEMENTIA. Identifiers: Orphanet 282, MedGen C0338451, MONDO:0017276, OMIM 600274, HP:0002145.

Allele frequency attached by ClinVar (database versions not stated): gnomAD 0.00005 and 0.00006; gnomAD exomes 0.00006 and 0.00023; ExAC 0.00008; TOPMed 0.00008; ESP Exome Variant Server 0.00015.
gnomAD v4.1: 334 of 1,610,520 alleles (0.021%); highest among the groups gnomAD compares: Non-Finnish European, 0.027%; no homozygotes.

Submissions (2):

Labcorp Genetics (formerly Invitae), Labcorp
Classification: Likely benign for Frontotemporal dementia. Last evaluated: 2025-08-17. Review status: criteria provided, single submitter. Criteria: Invitae Variant Classification Sherloc (09022015). Collection method: clinical testing. Allele origin: germline.

PreventionGenetics, part of Exact Sciences
Classification: Likely benign for MAPT-related condition. Last evaluated: 2025-07-07. Review status: criteria provided, single submitter. Criteria: ACMG Guidelines, 2015. Collection method: clinical testing. Allele origin: germline.
Comment: This variant is classified as likely benign based on ACMG/AMP sequence variant interpretation guidelines (Richards et al. 2015 PMID: 25741868, with internal and published modifications).

NM_001377265.1(MAPT):c.220+2480G>A

Gene: MAPT (microtubule associated protein tau). Cytogenetic location: 17q21.31.
Variant type: single nucleotide variant.
Coding change: c.220+2480G>A on transcript NM_001377265.1 (MANE Select); 2480 bases into the intron after coding-DNA position 220, G replaced by A.
Molecular consequence: intron variant. On other transcripts: synonymous variant (4).
Genome position (GRCh38, 1-based): chr17:45,974,425, G>A. VCF-style: chr17-45974425-G-A. GRCh37 (hg19) VCF-style: chr17-44051791-G-A.
Other names: c.261G>A, p.Lys87= (NM_001123066.4, NM_001203252.2, NM_005910.6 and 1 more transcripts); c.134-3950G>A (NM_001377268.1, NM_016834.5, NM_016841.5); c.220+2480G>A (NM_001377266.1, NM_001123067.4, NM_001203251.2 and 1 more transcripts); c.261G>A (NM_001123066.3).
Identifiers: ClinVar variation 1582142 (VCV001582142.9), dbSNP rs368318765, ClinGen allele CA8617589.
Genomic context (GRCh38, chr17:45,974,425, plus strand): 5'-TGGATCTCGGTGGTTTCTAGATGTGACAGCACCCTTAGTGGATGAGGGAGCTCCCGGCAA[G>A]CAGGCTGCCGCGCAGCCCCACACGGAGATCCCAGAAGGAACCACAGGTGAGGGTAAGCCC-3'